The following is an entry in ClinVar:

NM_144585.4(SLC22A12):c.233C>T (p.Pro78Leu)

Gene: SLC22A12 (solute carrier family 22 member 12; plus strand). Cytogenetic location: 11q13.1.
Variant type: single nucleotide variant.
Coding change: c.233C>T on transcript NM_144585.4 (MANE Select); coding-DNA position 233, C replaced by T.
Protein change: p.Pro78Leu; replaces proline 78 with leucine.
Molecular consequence: missense variant. On other transcripts: 5 prime UTR variant (1).
Genome position (GRCh38, 1-based): chr11:64,591,789, C>T. VCF-style: chr11-64591789-C-T. GRCh37 (hg19) VCF-style: chr11-64359261-C-T.
Other names: c.233C>T, p.Pro78Leu (NM_001276326.2, NM_001276327.2); c.-276C>T (NM_153378.3); short protein forms P78L.
Identifiers: ClinVar variation 878233 (VCV000878233.5), dbSNP rs777988850, ClinGen allele CA6077001.
Genomic context (GRCh38, chr11:64,591,789, plus strand): 5'-CGGCTCAGGCCAGCATCCTAGGGAGCTTGAGTCCTGAGGCCCTCCTGGCTATTTCCATCC[C>T]GCCGGGCCCCAACCAGAGGCCCCACCAGTGCCGCCGCTTCCGCCAGCCACAGTGGCAGCT-3'
Protein context (NP_653186.2, residues 68-88): SPEALLAISI[Pro78Leu]PGPNQRPHQC

ClinVar aggregate classification (germline): Uncertain significance. Review status: criteria provided, multiple submitters, no conflicts (2 of 4 stars). 2 submissions from 2 submitters: Uncertain significance (2). Last evaluated 2024-03-06.

Conditions:
Dalmatian hypouricemia (RHUC1). Identifiers: MedGen C0473219, MONDO:0020728, OMIM 220150.

Allele frequency attached by ClinVar (database versions not stated): gnomAD exomes 0.00001 and 0.00002; ExAC 0.00003; gnomAD 0.00003 and 0.00004; TOPMed 0.00003.

Submissions (2):

Fulgent Genetics
Classification: Uncertain significance for Dalmatian hypouricemia. Last evaluated: 2024-03-06. Review status: criteria provided, single submitter. Criteria: ACMG Guidelines, 2015. Collection method: clinical testing. Allele origin: germline.

Illumina Laboratory Services, Illumina
Classification: Uncertain significance for Dalmatian hypouricemia. Last evaluated: 2017-04-27. Review status: criteria provided, single submitter. Criteria: ICSL Variant Classification Criteria 13 December 2019. Collection method: clinical testing. Allele origin: germline.
Comment: This variant was observed as part of a predisposition screen in an ostensibly healthy population. A literature search was performed for the gene, cDNA change, and amino acid change (where applicable). Publications were found based on this search. However, the evidence from the literature, in combination with allele frequency data from public databases where available, was not sufficient to rule this variant in or out of causing disease. Therefore, this variant is classified as a variant of unknown significance.

Literature cited by the submitters: PubMed 18760270 (cited by Illumina Laboratory Services, Illumina).